The following is an entry in ClinVar:

NM_000153.4(GALC):c.117del (p.Gly40fs)

Gene: GALC (galactosylceramidase; minus strand). Cytogenetic location: 14q31.3.
Variant type: Deletion.
Coding change: c.117del on transcript NM_000153.4 (MANE Select); coding-DNA position 117, one base deleted (C; older notation c.117delC).
Protein change: p.Gly40fs; shifts the reading frame from glycine 40.
Molecular consequence: frameshift variant. On other transcripts: intron variant (1).
Genome position (GRCh38, 1-based): chr14:87,993,048, G deleted on the plus strand (C on the coding strand, the reverse complement: GALC is on the minus strand); the first of 3 consecutive G bases (chr14:87,993,048-87,993,050); deleting any one gives the same sequence. VCF-style (leftmost placement, unchanged base first): chr14-87993047-CG-C. GRCh37 (hg19) VCF-style: chr14-88459391-CG-C.
Other names: c.117del, p.Gly40fs (NM_001201401.2); c.117+335del (NM_001201402.2); short protein forms G40fs.
Identifiers: ClinVar variation 2017479 (VCV002017479.4), dbSNP rs2503548478, ClinGen allele CA2580089263.

ClinVar aggregate classification (germline): Pathogenic (1 of 4 stars; one submission).

Conditions:
Galactosylceramide beta-galactosidase deficiency. Also called: GALACTOCEREBROSIDASE DEFICIENCY; GALC DEFICIENCY; GLOBOID CELL LEUKOENCEPHALOPATHY; Krabbe Disease; Leukodystrophy, Globoid Cell. Identifiers: Orphanet 487, MedGen C0023521, MONDO:0009499, OMIM 245200.

Submission:

Labcorp Genetics (formerly Invitae), Labcorp
Classification: Pathogenic for Galactosylceramide beta-galactosidase deficiency. Last evaluated: 2022-08-12. Review status: criteria provided, single submitter. Criteria: Invitae Variant Classification Sherloc (09022015). Collection method: clinical testing. Allele origin: germline.
Comment: This sequence change creates a premature translational stop signal (p.Gly40Alafs*32) in the GALC gene. It is expected to result in an absent or disrupted protein product. Loss-of-function variants in GALC are known to be pathogenic (PMID: 7437911, 9272171, 16607461). For these reasons, this variant has been classified as Pathogenic. This variant has not been reported in the literature in individuals affected with GALC-related conditions. This variant is not present in population databases (gnomAD no frequency).

Literature cited by the submitters: PubMed 7437911; PubMed 9272171; PubMed 16607461.